The following is an entry in ClinVar:

NM_000102.4(CYP17A1):c.314C>T (p.Ala105Val)

Gene: CYP17A1 (cytochrome P450 family 17 subfamily A member 1; minus strand). Cytogenetic location: 10q24.32.
Variant type: single nucleotide variant.
Coding change: c.314C>T on transcript NM_000102.4 (MANE Select); coding-DNA position 314, C replaced by T.
Protein change: p.Ala105Val; replaces alanine 105 with valine.
Molecular consequence: missense variant.
Genome position (GRCh38, 1-based): chr10:102,835,376, G>A on the plus strand (C>T on the coding strand, the complement: CYP17A1 is on the minus strand). VCF-style: chr10-102835376-G-A. GRCh37 (hg19) VCF-style: chr10-104595133-G-A.
Other names: short protein forms A105V.
Identifiers: ClinVar variation 2351843 (VCV002351843.3), dbSNP rs139936404, ClinGen allele CA5669593.

ClinVar aggregate classification (germline): Uncertain significance. Review status: criteria provided, multiple submitters, no conflicts (2 of 4 stars). 2 submissions from 2 submitters: Uncertain significance (2). Last evaluated 2025-03-27.

Conditions:
Inborn genetic diseases. Identifiers: MedGen C0950123, MeSH D030342.

Allele frequency attached by ClinVar (database versions not stated): gnomAD 0.00002; ExAC 0.00004; gnomAD exomes 0.00004; ESP Exome Variant Server 0.00008; TOPMed 0.00008.
gnomAD v4.1: 58 of 1,612,408 alleles (0.0036%); highest among the groups gnomAD compares: Admixed American, 0.005%; no homozygotes.

Submissions (2):

Labcorp Genetics (formerly Invitae), Labcorp
Classification: Uncertain significance. Last evaluated: 2025-03-27. Review status: criteria provided, single submitter. Criteria: Invitae Variant Classification Sherloc (09022015). Collection method: clinical testing. Allele origin: germline.
Comment: This sequence change replaces alanine, which is neutral and non-polar, with valine, which is neutral and non-polar, at codon 105 of the CYP17A1 protein (p.Ala105Val). This variant is present in population databases (rs139936404, gnomAD 0.008%). This variant has not been reported in the literature in individuals affected with CYP17A1-related conditions. ClinVar contains an entry for this variant (Variation ID: 2351843). An algorithm developed to predict the effect of missense changes on protein structure and function (PolyPhen-2) suggests that this variant is likely to be tolerated. In summary, the available evidence is currently insufficient to determine the role of this variant in disease. Therefore, it has been classified as a Variant of Uncertain Significance.

Ambry Genetics
Classification: Uncertain significance for Inborn genetic diseases. Last evaluated: 2021-08-10. Review status: criteria provided, single submitter. Criteria: Ambry Variant Classification Scheme 2023. Collection method: clinical testing. Allele origin: germline.